The following is an entry in ClinVar:

NM_022124.6(CDH23):c.2836G>A (p.Val946Met)

Gene: CDH23 (cadherin related 23; plus strand). Cytogenetic location: 10q22.1.
Variant type: single nucleotide variant.
Coding change: c.2836G>A on transcript NM_022124.6 (MANE Select); coding-DNA position 2836, G replaced by A.
Protein change: p.Val946Met; replaces valine 946 with methionine.
Molecular consequence: missense variant.
Genome position (GRCh38, 1-based): chr10:71,705,013, G>A. VCF-style: chr10-71705013-G-A. GRCh37 (hg19) VCF-style: chr10-73464770-G-A.
Other names: c.2836G>A, p.Val946Met (NM_001171930.2, NM_001171931.2); short protein forms V946M.
Identifiers: ClinVar variation 517433 (VCV000517433.8), dbSNP rs931850625, ClinGen allele CA209455006.
Genomic context (GRCh38, chr10:71,705,013, plus strand): 5'-TCCTACCGCATGCCGGTGGGCATGCCCCGCATGGACTTCCTCATCAACAGCAGCAGCGGC[G>A]TGGTGGTCACCACCACCGAGCTGGACCGCGAGCGCATCGCGGAGTACCAGCTGCGGGTGG-3'
Protein context (NP_071407.4, residues 936-956): MDFLINSSSG[Val946Met]VVTTTELDRE

ClinVar aggregate classification (germline): Uncertain significance. Review status: criteria provided, multiple submitters, no conflicts (2 of 4 stars). 4 submissions from 4 submitters: Uncertain significance (3). 1 of the submissions does not count toward it. Last evaluated 2025-06-06.

Conditions:
Inborn genetic diseases. Identifiers: MedGen C0950123, MeSH D030342.
Usher syndrome type 1 (USH1). Also called: RETINITIS PIGMENTOSA AND CONGENITAL DEAFNESS. Identifiers: Orphanet 231169, Orphanet 886, MedGen C1568247, MONDO:0010168, OMIM 276900.

Allele frequency attached by ClinVar (database versions not stated): gnomAD 0.00001; TOPMed 0.00003; gnomAD exomes 0.00002.
gnomAD v4.1: 16 of 1,612,638 alleles (0.00099%); highest among the groups gnomAD compares: African/African-American, 0.0093%; no homozygotes.

Submissions (4):

Ambry Genetics
Classification: Uncertain significance for Inborn genetic diseases. Last evaluated: 2025-06-06. Review status: criteria provided, single submitter. Criteria: Ambry Variant Classification Scheme 2023. Collection method: clinical testing. Allele origin: germline.

Labcorp Genetics (formerly Invitae), Labcorp
Classification: Uncertain significance. Last evaluated: 2022-10-13. Review status: criteria provided, single submitter. Criteria: Invitae Variant Classification Sherloc (09022015). Collection method: clinical testing. Allele origin: germline.
Comment: This sequence change replaces valine, which is neutral and non-polar, with methionine, which is neutral and non-polar, at codon 946 of the CDH23 protein (p.Val946Met). This variant is present in population databases (no rsID available, gnomAD 0.01%). This variant has not been reported in the literature in individuals affected with CDH23-related conditions. ClinVar contains an entry for this variant (Variation ID: 517433). Advanced modeling of protein sequence and biophysical properties (such as structural, functional, and spatial information, amino acid conservation, physicochemical variation, residue mobility, and thermodynamic stability) performed at Invitae indicates that this missense variant is not expected to disrupt CDH23 protein function. In summary, the available evidence is currently insufficient to determine the role of this variant in disease. Therefore, it has been classified as a Variant of Uncertain Significance.

Laboratory for Molecular Medicine, Mass General Brigham Personalized Medicine
Classification: Uncertain significance. Last evaluated: 2017-06-13. Review status: criteria provided, single submitter. Criteria: LMM Criteria. Collection method: clinical testing. Allele origin: germline. Observed: 1 variant allele.
Comment: The p.Val946Met variant in CDH23 has not been previously identified in individua ls with hearing loss, but has been identified in 2/15136 African chromosomes by the Genome Aggregation Database (gnomAD; dbSNP rs931850625). Although this variant has been seen in the general population, it s frequency is not high enough to rule out a pathogenic role. Computational pred iction tools and conservation analyses do not provide strong support for or agai nst an impact to the protein. In summary, the clinical significance of the p.Val 946Met variant is uncertain.

Natera, Inc.
Classification: Uncertain significance for Usher syndrome type 1. Last evaluated: 2019-10-28. Review status: no assertion criteria provided. Collection method: clinical testing. Allele origin: germline. Not counted in ClinVar's aggregate classification.